The following is an entry in ClinVar:

ClinVar aggregate classification (germline): Uncertain significance (1 of 4 stars; one submission).

Conditions:
Wilms tumor 1 (WT1). Also called: Wilms tumor, somatic. Identifiers: Orphanet 654, MedGen CN033288, MONDO:0008679, OMIM 194070.

Submission:

Labcorp Genetics (formerly Invitae), Labcorp
Classification: Uncertain significance for Wilms tumor 1. Last evaluated: 2019-04-26. Review status: criteria provided, single submitter. Criteria: Invitae Variant Classification Sherloc (09022015). Collection method: clinical testing. Allele origin: germline.
Comment: In summary, the available evidence is currently insufficient to determine the role of this variant in disease. Therefore, it has been classified as a Variant of Uncertain Significance. Algorithms developed to predict the effect of missense changes on protein structure and function are either unavailable or do not agree on the potential impact of this missense change (SIFT: "Tolerated"; PolyPhen-2: "Probably Damaging"; Align-GVGD: "Class C0"). This variant has not been reported in the literature in individuals with GPC3-related conditions. This variant is not present in population databases (ExAC no frequency). This sequence change replaces cysteine with phenylalanine at codon 505 of the GPC3 protein (p.Cys505Phe). The cysteine residue is moderately conserved and there is a large physicochemical difference between cysteine and phenylalanine.

NM_004484.4(GPC3):c.1514G>T (p.Cys505Phe)

Gene: GPC3 (glypican 3; minus strand). Cytogenetic location: Xq26.2.
Variant type: single nucleotide variant.
Coding change: c.1514G>T on transcript NM_004484.4 (MANE Select); coding-DNA position 1514, G replaced by T.
Protein change: p.Cys505Phe; replaces cysteine 505 with phenylalanine.
Molecular consequence: missense variant.
Genome position (GRCh38, 1-based): chrX:133,596,499, C>A on the plus strand (G>T on the coding strand, the complement: GPC3 is on the minus strand). VCF-style: chrX-133596499-C-A. GRCh37 (hg19) VCF-style: chrX-132730527-C-A.
Other names: c.1583G>T, p.Cys528Phe (NM_001164617.2); c.1466G>T, p.Cys489Phe (NM_001164618.2); c.1352G>T, p.Cys451Phe (NM_001164619.2); short protein forms C489F, C528F, C451F, C505F.
Identifiers: ClinVar variation 836236 (VCV000836236.10), dbSNP rs2069917028, ClinGen allele CA414701019.